The following is an entry in ClinVar:

NM_003743.5(NCOA1):c.4215G>A (p.Gly1405=)

Gene: NCOA1 (nuclear receptor coactivator 1; plus strand). Cytogenetic location: 2p23.3.
Variant type: single nucleotide variant.
Coding change: c.4215G>A on transcript NM_003743.5 (MANE Select); coding-DNA position 4215, G replaced by A.
Protein change: p.Gly1405=; no amino-acid change (glycine 1405 retained).
Molecular consequence: synonymous variant. On other transcripts: 3 prime UTR variant (5).
Genome position (GRCh38, 1-based): chr2:24,768,280, G>A. VCF-style: chr2-24768280-G-A. GRCh37 (hg19) VCF-style: chr2-24991149-G-A.
Other names: c.*72G>A (NM_001362950.1, NM_001362952.1, NM_001362955.1 and 1 more transcripts); c.*69G>A (NM_001362954.1); c.4212G>A, p.Gly1404= (NM_147233.2).
Identifiers: ClinVar variation 3350541 (VCV003350541.1).

ClinVar aggregate classification (germline): Likely benign (0 of 4 stars; one submission).

Conditions:
NCOA1-related disorder. Also called: NCOA1-related condition.

gnomAD v4.1: 189 of 1,613,430 alleles (0.012%); highest among the groups gnomAD compares: Admixed American, 0.015%; no homozygotes.

Submission:

PreventionGenetics, part of Exact Sciences
Classification: Likely benign for NCOA1-related condition. Last evaluated: 2024-08-28. Review status: no assertion criteria provided. Collection method: clinical testing. Allele origin: germline.
Comment: This variant is classified as likely benign based on ACMG/AMP sequence variant interpretation guidelines (Richards et al. 2015 PMID: 25741868, with internal and published modifications).